The following is an entry in ClinVar:

ClinVar aggregate classification (germline): Uncertain significance (1 of 4 stars; one submission).

Conditions:
Inborn genetic diseases. Identifiers: MedGen C0950123, MeSH D030342.

Allele frequency attached by ClinVar (database versions not stated): gnomAD exomes below 0.00001; gnomAD 0.00001; TOPMed 0.00003; ESP Exome Variant Server 0.00008.
gnomAD v4.1: 8 of 1,613,314 alleles (0.0005%); highest among the groups gnomAD compares: Non-Finnish European, 0.00051%; no homozygotes.

Submission:

Ambry Genetics
Classification: Uncertain significance for Inborn genetic diseases. Last evaluated: 2021-01-19. Review status: criteria provided, single submitter. Criteria: Ambry Variant Classification Scheme 2023. Collection method: clinical testing. Allele origin: germline.
Comment: The p.S3045L variant (also known as c.9134C>T), located in coding exon 55 of the DST gene, results from a C to T substitution at nucleotide position 9134. The serine at codon 3045 is replaced by leucine, an amino acid with dissimilar properties. This amino acid position is not well conserved in available vertebrate species. In addition, this alteration is predicted to be tolerated by in silico analysis. Since supporting evidence is limited at this time, the clinical significance of this alteration remains unclear.

NM_001374736.1(DST):c.15491C>T (p.Ser5164Leu)

Gene: DST (dystonin; minus strand). Cytogenetic location: 6p12.1.
Variant type: single nucleotide variant.
Coding change: c.15491C>T on transcript NM_001374736.1 (MANE Select); coding-DNA position 15491, C replaced by T.
Protein change: p.Ser5164Leu; replaces serine 5164 with leucine.
Molecular consequence: missense variant.
Genome position (GRCh38, 1-based): chr6:56,553,301, G>A on the plus strand (C>T on the coding strand, the complement: DST is on the minus strand). VCF-style: chr6-56553301-G-A. GRCh37 (hg19) VCF-style: chr6-56418099-G-A.
Other names: c.9134C>T, p.Ser3045Leu (NM_001144769.5); c.8720C>T, p.Ser2907Leu (NM_001144770.2); c.15491C>T, p.Ser5164Leu (NM_001374722.1); c.14858C>T, p.Ser4953Leu (NM_001374729.1); c.8600C>T, p.Ser2867Leu (NM_001374730.1, NM_001386100.1, NM_183380.4); c.15518C>T, p.Ser5173Leu (NM_001374734.1); c.7622C>T, p.Ser2541Leu (NM_015548.5); short protein forms S4953L, S2867L, S5164L, S2541L, S2907L, S5173L, S3045L.
Identifiers: ClinVar variation 1765919 (VCV001765919.2), dbSNP rs372645800, ClinGen allele CA139206464.